The following is an entry in ClinVar:

NM_002103.5(GYS1):c.1127A>G (p.Asn376Ser)

Gene: GYS1 (glycogen synthase 1; minus strand). Cytogenetic location: 19q13.33.
Variant type: single nucleotide variant.
Coding change: c.1127A>G on transcript NM_002103.5 (MANE Select); coding-DNA position 1127, A replaced by G.
Protein change: p.Asn376Ser; replaces asparagine 376 with serine.
Molecular consequence: missense variant. On other transcripts: non-coding transcript variant (1).
Genome position (GRCh38, 1-based): chr19:48,981,572, T>C on the plus strand (A>G on the coding strand, the complement: GYS1 is on the minus strand). VCF-style: chr19-48981572-T-C. GRCh37 (hg19) VCF-style: chr19-49484829-T-C.
Other names: c.935A>G, p.Asn312Ser (NM_001161587.2); short protein forms N312S, N376S.
Identifiers: ClinVar variation 1007393 (VCV001007393.8), dbSNP rs2038763501, ClinGen allele CA406763101.
Genomic context (GRCh38, chr19:48,981,572, plus strand): 5'-GGAGCGAGGGCTGCTAACCAAAGCTGTTTGCGCACAGCTTGGCCTTTGAGGGTTTCCACG[T>C]TGAAATTGTTGGTCCGCGCTGGCATGATGAAGAAGGCAACCACTGTCTGCTCGCTGCCGT-3'
Protein context (NP_002094.2, residues 366-386): FIMPARTNNF[Asn376Ser]VETLKGQAVR

ClinVar aggregate classification (germline): Uncertain significance (1 of 4 stars; one submission).

Conditions:
Glycogen storage disease due to muscle and heart glycogen synthase deficiency. Also called: GSD 0b; MUSCLE GLYCOGEN SYNTHASE DEFICIENCY. Identifiers: Orphanet 137625, MedGen C1969054, MONDO:0012693, OMIM 611556.

Submission:

Labcorp Genetics (formerly Invitae), Labcorp
Classification: Uncertain significance for Glycogen storage disease due to muscle and heart glycogen synthase deficiency. Last evaluated: 2022-06-27. Review status: criteria provided, single submitter. Criteria: Invitae Variant Classification Sherloc (09022015). Collection method: clinical testing. Allele origin: germline.
Comment: In summary, the available evidence is currently insufficient to determine the role of this variant in disease. Therefore, it has been classified as a Variant of Uncertain Significance. Algorithms developed to predict the effect of sequence changes on RNA splicing suggest that this variant may create or strengthen a splice site. Algorithms developed to predict the effect of missense changes on protein structure and function are either unavailable or do not agree on the potential impact of this missense change (SIFT: "Tolerated"; PolyPhen-2: "Probably Damaging"; Align-GVGD: "Class C0"). ClinVar contains an entry for this variant (Variation ID: 1007393). This variant has not been reported in the literature in individuals affected with GYS1-related conditions. This variant is not present in population databases (gnomAD no frequency). This sequence change replaces asparagine, which is neutral and polar, with serine, which is neutral and polar, at codon 376 of the GYS1 protein (p.Asn376Ser).